The following is an entry in ClinVar:

NM_002335.4(LRP5):c.1276G>A (p.Val426Met)

Gene: LRP5 (LDL receptor related protein 5; plus strand). Cytogenetic location: 11q13.2.
Variant type: single nucleotide variant.
Coding change: c.1276G>A on transcript NM_002335.4 (MANE Select); coding-DNA position 1276, G replaced by A.
Protein change: p.Val426Met; replaces valine 426 with methionine.
Molecular consequence: missense variant. On other transcripts: 5 prime UTR variant (1).
Genome position (GRCh38, 1-based): chr11:68,386,576, G>A. VCF-style: chr11-68386576-G-A. GRCh37 (hg19) VCF-style: chr11-68154044-G-A.
Other names: c.-490G>A (NM_001291902.2); short protein forms V426M.
Identifiers: ClinVar variation 1009774 (VCV001009774.6), dbSNP rs2098643189, ClinGen allele CA381612606.

ClinVar aggregate classification (germline): Uncertain significance (1 of 4 stars; one submission).

gnomAD v4.1: 1 of 1,613,868 alleles (0.000062%); no homozygotes.

Submission:

Labcorp Genetics (formerly Invitae), Labcorp
Classification: Uncertain significance. Last evaluated: 2025-01-06. Review status: criteria provided, single submitter. Criteria: Invitae Variant Classification Sherloc (09022015). Collection method: clinical testing. Allele origin: germline.
Comment: This sequence change replaces valine, which is neutral and non-polar, with methionine, which is neutral and non-polar, at codon 426 of the LRP5 protein (p.Val426Met). This variant is not present in population databases (gnomAD no frequency). This variant has not been reported in the literature in individuals affected with LRP5-related conditions. ClinVar contains an entry for this variant (Variation ID: 1009774). Invitae Evidence Modeling of protein sequence and biophysical properties (such as structural, functional, and spatial information, amino acid conservation, physicochemical variation, residue mobility, and thermodynamic stability) has been performed for this missense variant. However, the output from this modeling did not meet the statistical confidence thresholds required to predict the impact of this variant on LRP5 protein function. In summary, the available evidence is currently insufficient to determine the role of this variant in disease. Therefore, it has been classified as a Variant of Uncertain Significance.